The following is an entry in ClinVar:

ClinVar aggregate classification (germline): Pathogenic (1 of 4 stars; one submission).

Submission:

Labcorp Genetics (formerly Invitae), Labcorp
Classification: Pathogenic. Last evaluated: 2022-02-05. Review status: criteria provided, single submitter. Criteria: Invitae Variant Classification Sherloc (09022015). Collection method: clinical testing. Allele origin: germline.
Comment: This sequence change creates a premature translational stop signal (p.Gln141*) in the TUB gene. It is expected to result in an absent or disrupted protein product. Loss-of-function variants in TUB are known to be pathogenic (PMID: 24375934). This variant is not present in population databases (gnomAD no frequency). This variant has not been reported in the literature in individuals affected with TUB-related conditions. ClinVar contains an entry for this variant (Variation ID: 1070074). For these reasons, this variant has been classified as Pathogenic.

Literature cited by the submitters: PubMed 24375934.

NM_177972.3(TUB):c.256C>T (p.Gln86Ter)

Genes: RIC3 (RIC3 acetylcholine receptor chaperone; minus strand), TUB (TUB bipartite transcription factor; plus strand). Cytogenetic location: 11p15.4.
Variant type: single nucleotide variant.
Coding change: c.256C>T on transcript NM_177972.3 (MANE Select); coding-DNA position 256, C replaced by T.
Protein change: p.Gln86Ter; replaces glutamine 86 with a stop codon.
Molecular consequence: nonsense. On other transcripts: non-coding transcript variant (1).
Genome position (GRCh38, 1-based): chr11:8,094,048, C>T. VCF-style: chr11-8094048-C-T. GRCh37 (hg19) VCF-style: chr11-8115595-C-T.
Other names: c.421C>T, p.Gln141Ter (NM_003320.5); short protein forms Q141*, Q86*.
Identifiers: ClinVar variation 1070074 (VCV001070074.7), dbSNP rs2133852526, ClinGen allele CA379564251.